The following is an entry in ClinVar:

NM_006922.4(SCN3A):c.2024C>A (p.Thr675Asn)

Gene: SCN3A (sodium voltage-gated channel alpha subunit 3; minus strand). Cytogenetic location: 2q24.3.
Variant type: single nucleotide variant.
Coding change: c.2024C>A on transcript NM_006922.4 (MANE Select); coding-DNA position 2024, C replaced by A.
Protein change: p.Thr675Asn; replaces threonine 675 with asparagine.
Molecular consequence: missense variant.
Genome position (GRCh38, 1-based): chr2:165,139,604, G>T on the plus strand (C>A on the coding strand, the complement: SCN3A is on the minus strand). VCF-style: chr2-165139604-G-T. GRCh37 (hg19) VCF-style: chr2-165996114-G-T.
Other names: c.1877C>A, p.Thr626Asn (NM_001081676.2, NM_001081677.2); short protein forms T626N, T675N.
Identifiers: ClinVar variation 2430725 (VCV002430725.1), dbSNP rs2468314589, ClinGen allele CA349045925.
Genomic context (GRCh38, chr2:165,139,604, plus strand): 5'-ATCTCCATTGAAATCTGGTAAGAGCTTAACCTTCTCTTTCTGACTTCCGTTTCTGTGGTG[G>T]TGCCCTGCAAACCAAATACTGATGGCTCAAACCACTCTTCCCAATAAGTAATACAACACC-3'
Protein context (NP_008853.3, residues 665-685): SPTGQLPPEG[Thr675Asn]TTETEVRKRR

ClinVar aggregate classification (germline): Uncertain significance (1 of 4 stars; one submission).

Submission:

GeneDx
Classification: Uncertain significance. Last evaluated: 2022-08-24. Review status: criteria provided, single submitter. Criteria: GeneDx Variant Classification Process June 2021. Collection method: clinical testing. Allele origin: germline. Affected: yes.
Comment: Not observed at significant frequency in large population cohorts (gnomAD); In silico analysis supports that this missense variant has a deleterious effect on protein structure/function; Has not been previously published as pathogenic or benign to our knowledge